The following is an entry in ClinVar:

NM_001065.4(TNFRSF1A):c.58G>A (p.Val20Met)

Gene: TNFRSF1A (TNF receptor superfamily member 1A; minus strand). Cytogenetic location: 12p13.31.
Variant type: single nucleotide variant.
Coding change: c.58G>A on transcript NM_001065.4 (MANE Select); coding-DNA position 58, G replaced by A.
Protein change: p.Val20Met; replaces valine 20 with methionine.
Molecular consequence: missense variant. On other transcripts: 5 prime UTR variant (1), non-coding transcript variant (1), intron variant (1).
Genome position (GRCh38, 1-based): chr12:6,334,226, C>T on the plus strand (G>A on the coding strand, the complement: TNFRSF1A is on the minus strand). VCF-style: chr12-6334226-C-T. GRCh37 (hg19) VCF-style: chr12-6443392-C-T.
Other names: c.-520G>A (NM_001346092.2); c.-131-361G>A (NM_001346091.2); short protein forms V20M.
Identifiers: ClinVar variation 2804789 (VCV002804789.3), dbSNP rs2497801546, ClinGen allele CA383551250.

ClinVar aggregate classification (germline): Uncertain significance (1 of 4 stars; one submission).

Conditions:
TNF receptor-associated periodic fever syndrome (TRAPS) (FPF). Also called: FAMILIAL HIBERNIAN FEVER; TNF RECEPTOR-ASSOCIATED PERIODIC SYNDROME; TUMOR NECROSIS FACTOR RECEPTOR-ASSOCIATED PERIODIC SYNDROME; Autosomal Dominant Familial Periodic Fever; TNF Receptor-Associated Periodic Fever Syndrome; TNF receptor 1-associated periodic fever syndrome. Identifiers: Orphanet 32960, MedGen C1275126, MONDO:0007727, OMIM 142680.

Submission:

Labcorp Genetics (formerly Invitae), Labcorp
Classification: Uncertain significance for TNF receptor-associated periodic fever syndrome (TRAPS). Last evaluated: 2023-08-18. Review status: criteria provided, single submitter. Criteria: Invitae Variant Classification Sherloc (09022015). Collection method: clinical testing. Allele origin: germline.
Comment: In summary, the available evidence is currently insufficient to determine the role of this variant in disease. Therefore, it has been classified as a Variant of Uncertain Significance. This sequence change replaces valine, which is neutral and non-polar, with methionine, which is neutral and non-polar, at codon 20 of the TNFRSF1A protein (p.Val20Met). This variant is not present in population databases (gnomAD no frequency). This variant has not been reported in the literature in individuals affected with TNFRSF1A-related conditions. Algorithms developed to predict the effect of missense changes on protein structure and function output the following: SIFT: "Not Available"; PolyPhen-2: "Benign"; Align-GVGD: "Not Available". The methionine amino acid residue is found in multiple mammalian species, which suggests that this missense change does not adversely affect protein function.